The following is an entry in ClinVar:

NM_000432.4(MYL2):c.274+17G>C

Gene: MYL2 (myosin light chain 2; minus strand). Cytogenetic location: 12q24.11.
Variant type: single nucleotide variant.
Coding change: c.274+17G>C on transcript NM_000432.4 (MANE Select); 17 bases into the intron after coding-DNA position 274, G replaced by C.
Molecular consequence: intron variant.
Genome position (GRCh38, 1-based): chr12:110,914,169, C>G on the plus strand (G>C on the coding strand, the complement: MYL2 is on the minus strand). VCF-style: chr12-110914169-C-G. GRCh37 (hg19) VCF-style: chr12-111351973-C-G.
Identifiers: ClinVar variation 138398 (VCV000138398.1), dbSNP rs201782797, ClinGen allele CA009985.
Genomic context (GRCh38, chr12:110,914,169, plus strand): 5'-TTAACCATCTTCTGCCAGCCCCCCCGAAGAAACATAGACACATACACACAGACACACACA[C>G]ACACACACGACCTTACCCTTAAGTTTCTCCCCAAACATTGTGAGGAACACAGTAAAGTTA-3'

ClinVar aggregate classification (germline): Benign (1 of 4 stars; one submission).

gnomAD v4.1: 30 of 1,581,842 alleles (0.0019%); highest among the groups gnomAD compares: Non-Finnish European, 0.0026%; no homozygotes.

Submission:

GeneDx
Classification: Benign. Last evaluated: 2013-10-18. Review status: criteria provided, single submitter. Criteria: GeneDx Variant Classification (06012015). Collection method: clinical testing. Allele origin: germline. Affected: yes.
Comment: This variant is considered likely benign or benign based on one or more of the following criteria: it is a conservative change, it occurs at a poorly conserved position in the protein, it is predicted to be benign by multiple in silico algorithms, and/or has population frequency not consistent with disease.